The following is an entry in ClinVar:

NM_198576.4(AGRN):c.4322C>T (p.Ala1441Val)

Gene: AGRN (agrin; plus strand). Cytogenetic location: 1p36.33.
Variant type: single nucleotide variant.
Coding change: c.4322C>T on transcript NM_198576.4 (MANE Select); coding-DNA position 4322, C replaced by T.
Protein change: p.Ala1441Val; replaces alanine 1441 with valine.
Molecular consequence: missense variant.
Genome position (GRCh38, 1-based): chr1:1,049,259, C>T. VCF-style: chr1-1049259-C-T. GRCh37 (hg19) VCF-style: chr1-984639-C-T.
Other names: c.4322C>T, p.Ala1441Val (NM_001305275.2); c.4007C>T, p.Ala1336Val (NM_001364727.2); short protein forms A1336V, A1441V.
Identifiers: ClinVar variation 1945039 (VCV001945039.2), dbSNP rs1553177618, ClinGen allele CA509426.

ClinVar aggregate classification (germline): Uncertain significance (1 of 4 stars; one submission).

Conditions:
Congenital myasthenic syndrome 8. Also called: MYASTHENIC SYNDROME, CONGENITAL, DUE TO AGRIN DEFICIENCY; Myasthenic syndrome, congenital, 8, with pre- and postsynaptic defects. Identifiers: Orphanet 590, MedGen C3808739, MONDO:0014052, OMIM 615120.

Allele frequency attached by ClinVar (database versions not stated): TOPMed below 0.00001; ExAC 0.00005.
gnomAD v4.1: 24 of 1,589,312 alleles (0.0015%); highest among the groups gnomAD compares: East Asian, 0.0023%; no homozygotes.

Submission:

Labcorp Genetics (formerly Invitae), Labcorp
Classification: Uncertain significance for Congenital myasthenic syndrome 8. Last evaluated: 2022-05-12. Review status: criteria provided, single submitter. Criteria: Invitae Variant Classification Sherloc (09022015). Collection method: clinical testing. Allele origin: germline.
Comment: This sequence change replaces alanine, which is neutral and non-polar, with valine, which is neutral and non-polar, at codon 1441 of the AGRN protein (p.Ala1441Val). The frequency data for this variant in the population databases is considered unreliable, as metrics indicate poor data quality at this position in the gnomAD database. This variant has not been reported in the literature in individuals affected with AGRN-related conditions. Algorithms developed to predict the effect of missense changes on protein structure and function are either unavailable or do not agree on the potential impact of this missense change (SIFT: "Deleterious"; PolyPhen-2: "Probably Damaging"; Align-GVGD: "Class C0"). In summary, the available evidence is currently insufficient to determine the role of this variant in disease. Therefore, it has been classified as a Variant of Uncertain Significance.